The following is an entry in ClinVar:

NM_174889.5(NDUFAF2):c.218-17A>T

Gene: NDUFAF2 (NADH:ubiquinone oxidoreductase complex assembly factor 2; plus strand). Cytogenetic location: 5q12.1.
Variant type: single nucleotide variant.
Coding change: c.218-17A>T on transcript NM_174889.5 (MANE Select); 17 bases into the intron before coding-DNA position 218, A replaced by T.
Molecular consequence: intron variant.
Genome position (GRCh38, 1-based): chr5:61,098,975, A>T. VCF-style: chr5-61098975-A-T. GRCh37 (hg19) VCF-style: chr5-60394802-A-T.
Identifiers: ClinVar variation 138456 (VCV000138456.12), dbSNP rs115892013, ClinGen allele CA292450.

ClinVar aggregate classification (germline): Benign. Review status: criteria provided, multiple submitters, no conflicts (2 of 4 stars). 4 submissions from 4 submitters: Benign (4). Last evaluated 2026-02-04.

Allele frequency attached by ClinVar (database versions not stated): 1000 Genomes Project 0.01657; 1000 Genomes Project 30x 0.01780; TOPMed 0.02349; gnomAD 0.02422 and 0.02426; ESP Exome Variant Server 0.02623; gnomAD exomes 0.02716 and 0.03157; ExAC 0.02779.
gnomAD v4.1: 49,083 of 1,590,942 alleles (3.1%); highest among the groups gnomAD compares: Middle Eastern, 5.9%; 907 homozygotes.

Submissions (4):

Labcorp Genetics (formerly Invitae), Labcorp
Classification: Benign. Last evaluated: 2026-02-04. Review status: criteria provided, single submitter. Criteria: Invitae Variant Classification Sherloc (09022015). Collection method: clinical testing. Allele origin: germline.

Blueprint Genetics
Classification: Benign. Last evaluated: 2024-11-26. Review status: criteria provided, single submitter. Criteria: ACMG Guidelines, 2015. Collection method: clinical testing. Allele origin: germline.

GeneDx
Classification: Benign. Last evaluated: 2012-06-19. Review status: criteria provided, single submitter. Criteria: GeneDx Variant Classification (06012015). Collection method: clinical testing. Allele origin: germline. Affected: yes.
Comment: This variant is considered likely benign or benign based on one or more of the following criteria: it is a conservative change, it occurs at a poorly conserved position in the protein, it is predicted to be benign by multiple in silico algorithms, and/or has population frequency not consistent with disease.

Breakthrough Genomics
Classification: Benign. Review status: criteria provided, single submitter. Criteria: ACMG Guidelines, 2015. Collection method: not provided. Allele origin: germline. Inheritance: Autosomal recessive inheritance. Affected: yes.